The following is an entry in ClinVar:

NM_152419.3(HGSNAT):c.1495C>T (p.Arg499Trp)

Gene: HGSNAT (heparan-alpha-glucosaminide N-acetyltransferase; plus strand). Cytogenetic location: 8p11.21.
Variant type: single nucleotide variant.
Coding change: c.1495C>T on transcript NM_152419.3 (MANE Select); coding-DNA position 1495, C replaced by T.
Protein change: p.Arg499Trp; replaces arginine 499 with tryptophan.
Molecular consequence: missense variant.
Genome position (GRCh38, 1-based): chr8:43,196,978, C>T. VCF-style: chr8-43196978-C-T. GRCh37 (hg19) VCF-style: chr8-43052121-C-T.
Other names: c.1582C>T, p.Arg528Trp (NM_001363227.2); c.1303C>T, p.Arg435Trp (NM_001363228.2); c.631C>T, p.Arg211Trp (NM_001363229.2); short protein forms R499W, R211W, R435W, R528W.
Identifiers: ClinVar variation 746756 (VCV000746756.15), dbSNP rs200238482, ClinGen allele CA4736917.
Genomic context (GRCh38, chr8:43,196,978, plus strand): 5'-CTTTTGGTCACACTGTGTTATCTCCTCCAGGCAGGAAAAATACTATTGTATTACAAGGCT[C>T]GGACCAAAGACATCCTGATTCGATTCACTGCTTGGTGTTGTATTCTTGTAAGTAAGCAGC-3'
Protein context (NP_689632.2, residues 489-509): AGKILLYYKA[Arg499Trp]TKDILIRFTA

ClinVar aggregate classification (germline): Conflicting classifications of pathogenicity. Review status: criteria provided, conflicting classifications (1 of 4 stars). 4 submissions from 4 submitters: Uncertain significance (1); Likely benign (3). Last evaluated 2025-12-06.

Conditions:
Mucopolysaccharidosis, MPS-III-C (MPS3C). Also called: MUCOPOLYSACCHARIDOSIS, TYPE IIIC; mucopolysaccharidosis type 3C; SANFILIPPO SYNDROME C; MPS III C; MPS IIIC (Sanfilippo Syndrome Type C); Mucopolysaccharidosis type IIIC (Sanfilippo C). Identifiers: Orphanet 581, Orphanet 79271, MedGen C0086649, MONDO:0009657, OMIM 252930.
HGSNAT-related disorder. Also called: HGSNAT-related condition.
Retinitis pigmentosa 73 (RP73). Identifiers: Orphanet 791, MedGen C4225287, MONDO:0014687, OMIM 616544.

Allele frequency attached by ClinVar (database versions not stated): ExAC 0.00007; gnomAD exomes 0.00010; gnomAD 0.00005; TOPMed 0.00007.
gnomAD v4.1: 91 of 1,611,712 alleles (0.0056%); highest among the groups gnomAD compares: African/African-American, 0.0053%; no homozygotes.

Submissions (4):

Labcorp Genetics (formerly Invitae), Labcorp
Classification: Likely benign for Retinitis pigmentosa 73; Mucopolysaccharidosis, MPS-III-C. Last evaluated: 2025-12-06. Review status: criteria provided, single submitter. Criteria: Invitae Variant Classification Sherloc (09022015). Collection method: clinical testing. Allele origin: germline.

PreventionGenetics, part of Exact Sciences
Classification: Likely benign for HGSNAT-related condition. Last evaluated: 2025-07-23. Review status: criteria provided, single submitter. Criteria: ACMG Guidelines, 2015. Collection method: clinical testing. Allele origin: germline.
Comment: This variant is classified as likely benign based on ACMG/AMP sequence variant interpretation guidelines (Richards et al. 2015 PMID: 25741868, with internal and published modifications).

Blueprint Genetics
Classification: Likely benign. Last evaluated: 2024-07-16. Review status: criteria provided, single submitter. Criteria: ACMG Guidelines, 2015. Collection method: clinical testing. Allele origin: germline.

Illumina Laboratory Services, Illumina
Classification: Uncertain significance for Mucopolysaccharidosis, MPS-III-C. Last evaluated: 2018-01-13. Review status: criteria provided, single submitter. Criteria: ICSL Variant Classification Criteria 13 December 2019. Collection method: clinical testing. Allele origin: germline.